The following is an entry in ClinVar:

GRCh37/hg19 2q21.1(chr2:130910127-130934165)x1

Gene: SMPD4 (sphingomyelin phosphodiesterase 4; minus strand). Cytogenetic location: 2q21.1.
Variant type: copy number loss.
Change: copy number 1 (one copy instead of two) of chr2:130,910,127-130,934,165 (24.0 kb, GRCh37 coordinates, 1-based), cytogenetic band 2q21.1.
Identifiers: ClinVar variation 4884600 (VCV004884600.1).

ClinVar aggregate classification (germline): Likely pathogenic (1 of 4 stars; one submission).

Conditions:
Neurodevelopmental disorder with microcephaly, arthrogryposis, and structural brain anomalies. Identifiers: Orphanet 664923, MedGen C5231431, MONDO:0032838, OMIM 618622.

Submission:

Department of Genetic Medicine, Beijing Chigene Translational Medicine Research Center
Classification: Likely pathogenic for Neurodevelopmental disorder with microcephaly, arthrogryposis, and structural brain anomalies. Last evaluated: 2026-08-10. Review status: criteria provided, single submitter. Criteria: ACMG Guidelines, 2015. Collection method: clinical testing. Allele origin: maternal. Inheritance: Autosomal recessive inheritance. Affected: yes. Observed: 1 variant allele, 1 compound heterozygote.
Comment: This variant results in a copy number loss of the genomic region encompassing the coding sequence of SMPD4 gene, and may result in an absent protein product. Loss-of-function variants in SMPD4 are known to be pathogenic(PMID: 31495489). In summary, the currently available evidence indicates that the variant is pathogenic, but additional data are needed to prove that conclusively. Therefore, this variant has been classified as Likely Pathogenic.

Literature cited by the submitters: PubMed 31495489.